The following is an entry in ClinVar:

NM_001384140.1(PCDH15):c.4308GCC[2] (p.Pro1441_Pro1443del)

Gene: PCDH15 (protocadherin related 15; minus strand). Cytogenetic location: 10q21.1.
Variant type: Microsatellite.
Coding change: c.4308GCC[2] on transcript NM_001384140.1 (MANE Select); two copies in a row of the 3-base unit GCC starting at c.4308; the reference has five copies in a row; three copies, 9 bases deleted.
Protein change: p.Pro1441_Pro1443del.
Molecular consequence: inframe deletion. On other transcripts: inframe indel (1).
Genome position (GRCh38, 1-based): chr10:53,827,438-53,827,446, GGCGGCGGC deleted on the plus strand (GCCGCCGCC on the coding strand, the reverse complement: PCDH15 is on the minus strand); deleting any 9 consecutive bases within chr10:53,827,438-53,827,454 gives the same sequence; the position shown is the placement nearest the transcript's 3' end. VCF-style (leftmost placement, unchanged base first): chr10-53827437-AGGCGGCGGC-A. GRCh37 (hg19) VCF-style: chr10-55587197-AGGCGGCGGC-A.
Other names: c.4314_4322del9 (NM_033056.3); c.4314_4322del (NM_033056.4); c.4323GCC[2], p.Pro1446_Pro1448del (NM_001142763.2, NM_001142771.2); c.4308GCC[2], p.Pro1441_Pro1443del (NM_001142764.2, NM_001142770.3, NM_001142772.2 and 3 more transcripts); c.4095GCC[2], p.Pro1370_Pro1372del (NM_001142765.2); c.4299GCC[2], p.Pro1438_Pro1440del (NM_001142766.2); c.4188GCC[2], p.Pro1401_Pro1403del (NM_001142767.2); c.4242GCC[2], p.Pro1419_Pro1421del (NM_001142768.2, NM_001354404.2); and 3 more.
Identifiers: ClinVar variation 550373 (VCV000550373.9), dbSNP rs559130985, ClinGen allele CA5505369.
Genomic context (GRCh38, chr10:53,827,437, plus strand): 5'-TGAACGGTCTACTTACATTGAGCTGTCTCCAAGTTCTTCATAGAGATGCGCACCTGGCGG[AGGCGGCGGC>A]GGCGGCGGGGGCGCTGCCACTGGTGCAGGAGCCGGCACTGCTGGTTTAGCCGCGGGTAAT-3'

ClinVar aggregate classification (germline): Uncertain significance. Review status: criteria provided, multiple submitters, no conflicts (2 of 4 stars). 3 submissions from 3 submitters: Uncertain significance (2). 1 of the submissions does not count toward it. Last evaluated 2024-05-08.

Conditions:
Usher syndrome type 1F (USH1F). Also called: USHER SYNDROME, TYPE IF. Identifiers: Orphanet 231169, Orphanet 886, MedGen C1865885, MONDO:0011186, OMIM 602083.
Autosomal recessive nonsyndromic hearing loss 23. Identifiers: Orphanet 90636, MedGen C1836027, MONDO:0012293, OMIM 609533.
Usher syndrome type 1D (USH1D). Also called: USHER SYNDROME, TYPE ID. Identifiers: Orphanet 231169, Orphanet 886, MedGen C1832845, MONDO:0010984, OMIM 601067.

Submissions (3):

Fulgent Genetics
Classification: Uncertain significance for Usher syndrome type 1D; Usher syndrome type 1F; Autosomal recessive nonsyndromic hearing loss 23. Last evaluated: 2024-05-08. Review status: criteria provided, single submitter. Criteria: ACMG Guidelines, 2015. Collection method: clinical testing. Allele origin: germline.

Labcorp Genetics (formerly Invitae), Labcorp
Classification: Uncertain significance. Last evaluated: 2021-08-26. Review status: criteria provided, single submitter. Criteria: Invitae Variant Classification Sherloc (09022015). Collection method: clinical testing. Allele origin: germline.
Comment: This variant, c.4314_4322del, results in the deletion of 3 amino acid(s) of the PCDH15 protein (p.Pro1441_Pro1443del), but otherwise preserves the integrity of the reading frame. This variant is present in population databases (rs780161797, ExAC 0.005%). This variant has not been reported in the literature in individuals affected with PCDH15-related conditions. ClinVar contains an entry for this variant (Variation ID: 550373). Experimental studies and prediction algorithms are not available or were not evaluated, and the functional significance of this variant is currently unknown. In summary, the available evidence is currently insufficient to determine the role of this variant in disease. Therefore, it has been classified as a Variant of Uncertain Significance.

Counsyl
Classification: Uncertain significance for Usher syndrome type 1F. Last evaluated: 2017-01-16. Review status: no assertion criteria provided. Collection method: clinical testing. Allele origin: unknown. Not counted in ClinVar's aggregate classification.